The following is an entry in ClinVar:

NM_001110556.2(FLNA):c.1621G>C (p.Glu541Gln)

Gene: FLNA (filamin A; minus strand). Cytogenetic location: Xq28.
Variant type: single nucleotide variant.
Coding change: c.1621G>C on transcript NM_001110556.2 (MANE Select); coding-DNA position 1621, G replaced by C.
Protein change: p.Glu541Gln; replaces glutamic acid 541 with glutamine.
Molecular consequence: missense variant.
Genome position (GRCh38, 1-based): chrX:154,365,206, C>G on the plus strand (G>C on the coding strand, the complement: FLNA is on the minus strand). VCF-style: chrX-154365206-C-G. GRCh37 (hg19) VCF-style: chrX-153593574-C-G.
Other names: c.1621G>C, p.Glu541Gln (NM_001456.4); c.1621G>C (NM_001456.3); short protein forms E541Q.
Identifiers: ClinVar variation 1060301 (VCV001060301.10), dbSNP rs743546, ClinGen allele CA10561132.

ClinVar aggregate classification (germline): Conflicting classifications of pathogenicity. Review status: criteria provided, conflicting classifications (1 of 4 stars). 2 submissions from 2 submitters: Uncertain significance (1); Likely benign (1). Last evaluated 2025-04-18.

Conditions:
Heterotopia, periventricular, X-linked dominant (PVNH1). Also called: PERIVENTRICULAR NODULAR HETEROTOPIA 1; X-linked periventricular heterotopia; PERIVENTRICULAR NODULAR HETEROTOPIA 4; HETEROTOPIA, PERIVENTRICULAR, 1. Identifiers: Orphanet 2149, Orphanet 82004, MedGen C1848213, MONDO:0010233, OMIM 300049.
Melnick-Needles syndrome (MNS). Also called: MELNICK-NEEDLES OSTEODYSPLASTY; OSTEODYSPLASTY OF MELNICK AND NEEDLES; Melnick-Needles Syndrome (FLNA-MNS). Identifiers: Orphanet 2484, MedGen C0025237, MONDO:0010650, OMIM 309350.
Frontometaphyseal dysplasia (FMD1). Identifiers: Orphanet 1826, MedGen C0265293, MONDO:0015942.
Oto-palato-digital syndrome, type II (OPD2). Also called: OPD II SYNDROME; FACIOPALATOOSSEOUS SYNDROME; Otopalatodigital Syndrome Type 2 (FLNA-OPD2); Otopalatodigital Syndrome, Type II. Identifiers: Orphanet 669, Orphanet 90652, MedGen C1844696, MONDO:0010571, OMIM 304120.
Familial thoracic aortic aneurysm and aortic dissection (TAAD). Also called: Thoracic aortic aneurysms and dissections. Identifiers: Orphanet 91387, MedGen C4707243, MONDO:0019625.

gnomAD v4.1: 9 of 1,211,399 alleles (0.00074%); highest among the groups gnomAD compares: Admixed American, 0.0022%; no homozygotes.

Submissions (2):

Ambry Genetics
Classification: Uncertain significance for Familial thoracic aortic aneurysm and aortic dissection. Last evaluated: 2025-04-18. Review status: criteria provided, single submitter. Criteria: Ambry Variant Classification Scheme 2023. Collection method: clinical testing. Allele origin: germline.
Comment: The p.E541Q variant (also known as c.1621G>C), located in coding exon 10 of the FLNA gene, results from a G to C substitution at nucleotide position 1621. The glutamic acid at codon 541 is replaced by glutamine, an amino acid with highly similar properties. This amino acid position is well conserved in available vertebrate species. In addition, the in silico prediction for this alteration is inconclusive. Based on data from gnomAD, the C allele has an overall frequency of 0.0011% (2/181661) total alleles studied, with no hemizygote(s) observed. The highest observed frequency was 0.0037% (1/27381) of Latino alleles. Based on the available evidence, the clinical significance of this variant remains unclear.

Labcorp Genetics (formerly Invitae), Labcorp
Classification: Likely benign for Oto-palato-digital syndrome, type II; Heterotopia, periventricular, X-linked dominant; Frontometaphyseal dysplasia; Melnick-Needles syndrome. Last evaluated: 2025-04-17. Review status: criteria provided, single submitter. Criteria: Invitae Variant Classification Sherloc (09022015). Collection method: clinical testing. Allele origin: germline.